The following is an entry in ClinVar:

NM_198525.3(KIF7):c.3755C>T (p.Ser1252Phe)

Gene: KIF7 (kinesin family member 7; minus strand). Cytogenetic location: 15q26.1.
Variant type: single nucleotide variant.
Coding change: c.3755C>T on transcript NM_198525.3 (MANE Select); coding-DNA position 3755, C replaced by T.
Protein change: p.Ser1252Phe; replaces serine 1252 with phenylalanine.
Molecular consequence: missense variant.
Genome position (GRCh38, 1-based): chr15:89,628,696, G>A on the plus strand (C>T on the coding strand, the complement: KIF7 is on the minus strand). VCF-style: chr15-89628696-G-A. GRCh37 (hg19) VCF-style: chr15-90171927-G-A.
Other names: short protein forms S1252F.
Identifiers: ClinVar variation 1415888 (VCV001415888.6), dbSNP rs546772749, ClinGen allele CA7727549.

ClinVar aggregate classification (germline): Uncertain significance (1 of 4 stars; one submission).

Conditions:
Acrocallosal syndrome (ACLS). Also called: Schinzel syndrome 1; Absence of corpus callosum with unusual facial appearance, mental deficiency, duplication of the halluces and polydactyly; HALLUX DUPLICATION, POSTAXIAL POLYDACTYLY, AND ABSENCE OF CORPUS CALLOSUM. Identifiers: Orphanet 36, MedGen C0796147, MONDO:0008708, OMIM 200990.

Allele frequency attached by ClinVar (database versions not stated): ExAC 0.00001; gnomAD 0.00005; TOPMed 0.00006; 1000 Genomes Project 30x 0.00016; 1000 Genomes Project 0.00020.
gnomAD v4.1: 17 of 1,613,024 alleles (0.0011%); highest among the groups gnomAD compares: African/African-American, 0.015%; no homozygotes.

Submission:

Labcorp Genetics (formerly Invitae), Labcorp
Classification: Uncertain significance for Acrocallosal syndrome. Last evaluated: 2022-11-01. Review status: criteria provided, single submitter. Criteria: Invitae Variant Classification Sherloc (09022015). Collection method: clinical testing. Allele origin: germline.
Comment: Advanced modeling of protein sequence and biophysical properties (such as structural, functional, and spatial information, amino acid conservation, physicochemical variation, residue mobility, and thermodynamic stability) performed at Invitae indicates that this missense variant is not expected to disrupt KIF7 protein function. ClinVar contains an entry for this variant (Variation ID: 1415888). This variant has not been reported in the literature in individuals affected with KIF7-related conditions. This variant is present in population databases (rs546772749, gnomAD 0.02%). This sequence change replaces serine, which is neutral and polar, with phenylalanine, which is neutral and non-polar, at codon 1252 of the KIF7 protein (p.Ser1252Phe). In summary, the available evidence is currently insufficient to determine the role of this variant in disease. Therefore, it has been classified as a Variant of Uncertain Significance.